The following is an entry in ClinVar:

ClinVar aggregate classification (germline): Likely pathogenic (1 of 4 stars; one submission).

Allele frequency attached by ClinVar (database versions not stated): gnomAD 0.00001; TOPMed 0.00001.
gnomAD v4.1: 2 of 1,612,812 alleles (0.00012%); highest among the groups gnomAD compares: African/African-American, 0.0027%; no homozygotes.

Submission:

Labcorp Genetics (formerly Invitae), Labcorp
Classification: Likely pathogenic. Last evaluated: 2021-07-14. Review status: criteria provided, single submitter. Criteria: Invitae Variant Classification Sherloc (09022015). Collection method: clinical testing. Allele origin: germline.
Comment: In summary, the currently available evidence indicates that the variant is pathogenic, but additional data are needed to prove that conclusively. Therefore, this variant has been classified as Likely Pathogenic. Algorithms developed to predict the effect of sequence changes on RNA splicing suggest that this variant may disrupt the consensus splice site. This variant has not been reported in the literature in individuals affected with ASAH1-related conditions. This variant is not present in population databases (ExAC no frequency). This sequence change affects an acceptor splice site in intron 6 of the ASAH1 gene. It is expected to disrupt RNA splicing. Variants that disrupt the donor or acceptor splice site typically lead to a loss of protein function (PMID: 16199547), and loss-of-function variants in ASAH1 are known to be pathogenic (PMID: 24164096, 24355074).

Literature cited by the submitters: PubMed 16199547; PubMed 24164096; PubMed 24355074.

NM_177924.5(ASAH1):c.458-2A>C

Gene: ASAH1 (N-acylsphingosine amidohydrolase 1; minus strand). Cytogenetic location: 8p22.
Variant type: single nucleotide variant.
Coding change: c.458-2A>C on transcript NM_177924.5 (MANE Select); the canonical splice acceptor site of the intron before coding-DNA position 458, A replaced by C.
Molecular consequence: splice acceptor variant.
Genome position (GRCh38, 1-based): chr8:18,063,232, T>G on the plus strand (A>C on the coding strand, the complement: ASAH1 is on the minus strand). VCF-style: chr8-18063232-T-G. GRCh37 (hg19) VCF-style: chr8-17920741-T-G.
Other names: c.506-2A>C (NM_004315.6); c.440-2A>C (NM_001127505.3); c.263-2A>C (NM_001363743.2).
Identifiers: ClinVar variation 1487395 (VCV001487395.6), dbSNP rs994417916, ClinGen allele CA173142775.